The following is an entry in ClinVar:

ClinVar aggregate classification (germline): Likely pathogenic. Review status: criteria provided, multiple submitters, no conflicts (2 of 4 stars). 2 submissions from 2 submitters: Likely pathogenic (2). Last evaluated 2023-12-22.

Conditions:
Familial hypocalciuric hypercalcemia (FHH). Also called: Familial benign hypercalcemia. Identifiers: Orphanet 405, MedGen C1809471, MONDO:0018458.

Allele frequency attached by ClinVar (database versions not stated): gnomAD exomes below 0.00001.
gnomAD v4.1: 1 of 1,614,114 alleles (0.000062%); highest among the groups gnomAD compares: Non-Finnish European, 0.000085%; no homozygotes.

Submissions (2):

Women's Health and Genetics/Laboratory Corporation of America, LabCorp
Classification: Likely pathogenic for Familial hypocalciuric hypercalcemia. Last evaluated: 2023-12-22. Review status: criteria provided, single submitter. Criteria: LabCorp Variant Classification Summary - May 2015. Collection method: clinical testing. Allele origin: germline.
Comment: Variant summary: CASR c.380A>G (p.Glu127Gly) results in a non-conservative amino acid change located in the Receptor, ligand binding region (IPR001828) of the encoded protein sequence. Four of five in-silico tools predict a damaging effect of the variant on protein function. The variant was absent in 251394 control chromosomes. c.380A>G has been reported in the literature in an individual affected with Hypocalciuric Hypercalcemia (Hannan_2012). Additionally, two other amino acid changes (p.Glu127Ala and p.Glu127Lys) have been classified as pathogenic/likely pathogenic in ClinVar, supporting the function importance of this residue of the protein. To our knowledge, no experimental evidence demonstrating an impact on protein function has been reported. The following publication have been ascertained in the context of this evaluation (PMID: 22422767). One submitter has cited clinical-significance assessments for this variant to ClinVar after 2014 and has classified the variant as likely pathogenic. Based on the evidence outlined above, the variant was classified as likely pathogenic.

GeneDx
Classification: Likely pathogenic. Last evaluated: 2018-05-23. Review status: criteria provided, single submitter. Criteria: GeneDx Variant Classification (06012015). Collection method: clinical testing. Allele origin: germline. Affected: yes.
Comment: The E127G variant in the CASR gene has been reported previously in an individual with autosomal dominant hypocalcaemic hypercalciuria; however, familial segregation information, in vitro functional studies, and additional clinical information were not included (Hannan et al., 2012). The E127G variant was not observed in approximately 6500 individuals of European and African American ancestry in the NHLBI Exome Sequencing Project, indicating it is not a common benign variant in these populations. The E127G variant is a non-conservative amino acid substitution, which is likely to impact secondary protein structure as these residues differ in polarity, charge, size and/or other properties. This substitution occurs at a position that is conserved across species. In silico analysis is inconsistent in its predictions as to whether or not the variant is damaging to the protein structure/function. Missense variants in the same residue (E127A, E127K) and in nearby residues have been reported in the Human Gene Mutation Database in association with CASR-related disorders (Pollak et al., 1994; Lienhardt et al., 2001; Stenson et al., 2014), supporting the functional importance of this region of the protein. The E127G variant is a strong candidate for a pathogenic variant; however, the possibility it may be a rare benign variant cannot be excluded.

Literature cited by the submitters: PubMed 22422767 (cited by Women's Health and Genetics/Laboratory Corporation of America, LabCorp).

NM_000388.4(CASR):c.380A>G (p.Glu127Gly)

Gene: CASR (calcium sensing receptor; plus strand). Cytogenetic location: 3q21.1.
Variant type: single nucleotide variant.
Coding change: c.380A>G on transcript NM_000388.4 (MANE Select); coding-DNA position 380, A replaced by G.
Protein change: p.Glu127Gly; replaces glutamic acid 127 with glycine.
Molecular consequence: missense variant.
Genome position (GRCh38, 1-based): chr3:122,257,275, A>G. VCF-style: chr3-122257275-A-G. GRCh37 (hg19) VCF-style: chr3-121976122-A-G.
Other names: c.380A>G, p.Glu127Gly (NM_001178065.2); short protein forms E127G.
Identifiers: ClinVar variation 35798 (VCV000035798.4), dbSNP rs121909260, ClinGen allele CA213599.